The following is an entry in ClinVar:

ClinVar aggregate classification (germline): Uncertain significance (1 of 4 stars; one submission).

Conditions:
Immunodeficiency 132A. Also called: Herpes simplex encephalitis, susceptibility to, 3. Identifiers: Orphanet 1930, MedGen C3553868, MONDO:0013920, OMIM 614849.

gnomAD v4.1: 5 of 1,614,176 alleles (0.00031%); highest among the groups gnomAD compares: Admixed American, 0.0017%; no homozygotes.

Submission:

Labcorp Genetics (formerly Invitae), Labcorp
Classification: Uncertain significance for Immunodeficiency 132A. Last evaluated: 2025-11-15. Review status: criteria provided, single submitter. Criteria: Invitae Variant Classification Sherloc (09022015). Collection method: clinical testing. Allele origin: germline.
Comment: This sequence change replaces arginine, which is basic and polar, with histidine, which is basic and polar, at codon 236 of the TRAF3 protein (p.Arg236His). This variant is present in population databases (rs779644747, gnomAD 0.003%). This variant has not been reported in the literature in individuals affected with TRAF3-related conditions. An algorithm developed to predict the effect of missense changes on protein structure and function (PolyPhen-2) suggests that this variant is likely to be disruptive. In summary, the available evidence is currently insufficient to determine the role of this variant in disease. Therefore, it has been classified as a Variant of Uncertain Significance.

NM_145725.3(TRAF3):c.707G>A (p.Arg236His)

Gene: TRAF3 (TNF receptor associated factor 3; plus strand). Cytogenetic location: 14q32.32.
Variant type: single nucleotide variant.
Coding change: c.707G>A on transcript NM_145725.3 (MANE Select); coding-DNA position 707, G replaced by A.
Protein change: p.Arg236His; replaces arginine 236 with histidine.
Molecular consequence: missense variant. On other transcripts: intron variant (2).
Genome position (GRCh38, 1-based): chr14:102,889,615, G>A. VCF-style: chr14-102889615-G-A. GRCh37 (hg19) VCF-style: chr14-103355952-G-A.
Other names: c.707G>A, p.Arg236His (NM_001385142.1, NM_003300.4); c.626G>A, p.Arg209His (NM_001385143.1); c.652-1710G>A (NM_145726.3); c.571-7646G>A (NM_001199427.2); short protein forms R236H, R209H.
Identifiers: ClinVar variation 4755138 (VCV004755138.1).